The following is an entry in ClinVar:

NM_000494.4(COL17A1):c.1424G>A (p.Trp475Ter)

Gene: COL17A1 (collagen type XVII alpha 1 chain; minus strand). Cytogenetic location: 10q25.1.
Variant type: single nucleotide variant.
Coding change: c.1424G>A on transcript NM_000494.4 (MANE Select); coding-DNA position 1424, G replaced by A.
Protein change: p.Trp475Ter; replaces tryptophan 475 with a stop codon.
Molecular consequence: nonsense.
Genome position (GRCh38, 1-based): chr10:104,057,016, C>T on the plus strand (G>A on the coding strand, the complement: COL17A1 is on the minus strand). VCF-style: chr10-104057016-C-T. GRCh37 (hg19) VCF-style: chr10-105816774-C-T.
Other names: c.1424G>A, p.Trp475Ter (LRG_1249t1); short protein forms W475*.
Identifiers: ClinVar variation 489069 (VCV000489069.8), dbSNP rs1554849445, ClinGen allele CA378072879.

ClinVar aggregate classification (germline): Pathogenic. Review status: criteria provided, multiple submitters, no conflicts (2 of 4 stars). 2 submissions from 2 submitters: Pathogenic (2). Last evaluated 2025-01-06.

Submissions (2):

GeneDx
Classification: Pathogenic. Last evaluated: 2025-01-06. Review status: criteria provided, single submitter. Criteria: GeneDx Variant Classification Process June 2021. Collection method: clinical testing. Allele origin: germline. Affected: yes.
Comment: Nonsense variant predicted to result in protein truncation or nonsense mediated decay in a gene for which loss of function is a known mechanism of disease; Not observed at significant frequency in large population cohorts (gnomAD); Has not been previously published as pathogenic or benign to our knowledge

Labcorp Genetics (formerly Invitae), Labcorp
Classification: Pathogenic. Last evaluated: 2023-10-22. Review status: criteria provided, single submitter. Criteria: Invitae Variant Classification Sherloc (09022015). Collection method: clinical testing. Allele origin: germline.
Comment: This sequence change creates a premature translational stop signal (p.Trp475*) in the COL17A1 gene. It is expected to result in an absent or disrupted protein product. Loss-of-function variants in COL17A1 are known to be pathogenic (PMID: 16473856, 17344927, 20301304, 21357940, 24319098). This variant is not present in population databases (gnomAD no frequency). This variant has not been reported in the literature in individuals affected with COL17A1-related conditions. ClinVar contains an entry for this variant (Variation ID: 489069). For these reasons, this variant has been classified as Pathogenic.

Literature cited by the submitters: PubMed 16473856 (cited by Labcorp Genetics (formerly Invitae), Labcorp); PubMed 17344927 (cited by Labcorp Genetics (formerly Invitae), Labcorp); PubMed 20301304 (cited by Labcorp Genetics (formerly Invitae), Labcorp); PubMed 21357940 (cited by Labcorp Genetics (formerly Invitae), Labcorp); PubMed 24319098 (cited by Labcorp Genetics (formerly Invitae), Labcorp).